The following is an entry in ClinVar:

ClinVar aggregate classification (germline): Likely pathogenic (1 of 4 stars; one submission).

Conditions:
Glycine encephalopathy. Also called: Nonketotic hyperglycinemia; Non-ketotic hyperglycinemia. Identifiers: Orphanet 407, MedGen C0751748, MONDO:0011612, HP:0008288.

Submission:

Labcorp Genetics (formerly Invitae), Labcorp
Classification: Likely pathogenic for Glycine encephalopathy. Last evaluated: 2022-08-25. Review status: criteria provided, single submitter. Criteria: Invitae Variant Classification Sherloc (09022015). Collection method: clinical testing. Allele origin: germline.
Comment: This variant is not present in population databases (gnomAD no frequency). This sequence change replaces threonine, which is neutral and polar, with isoleucine, which is neutral and non-polar, at codon 352 of the GLDC protein (p.Thr352Ile). This variant has not been reported in the literature in individuals affected with GLDC-related conditions. This variant disrupts the p.Thr352 amino acid residue in GLDC. Other variant(s) that disrupt this residue have been determined to be pathogenic (PMID: 27362913). This suggests that this residue is clinically significant, and that variants that disrupt this residue are likely to be disease-causing. Advanced modeling of protein sequence and biophysical properties (such as structural, functional, and spatial information, amino acid conservation, physicochemical variation, residue mobility, and thermodynamic stability) performed at Invitae indicates that this missense variant is expected to disrupt GLDC protein function. In summary, the currently available evidence indicates that the variant is pathogenic, but additional data are needed to prove that conclusively. Therefore, this variant has been classified as Likely Pathogenic.

Literature cited by the submitters: PubMed 27362913.

NM_000170.3(GLDC):c.1055C>T (p.Thr352Ile)

Gene: GLDC (glycine decarboxylase; minus strand). Cytogenetic location: 9p24.1.
Variant type: single nucleotide variant.
Coding change: c.1055C>T on transcript NM_000170.3 (MANE Select); coding-DNA position 1055, C replaced by T.
Protein change: p.Thr352Ile; replaces threonine 352 with isoleucine.
Molecular consequence: missense variant.
Genome position (GRCh38, 1-based): chr9:6,604,591, G>A on the plus strand (C>T on the coding strand, the complement: GLDC is on the minus strand). VCF-style: chr9-6604591-G-A. GRCh37 (hg19) VCF-style: chr9-6604591-G-A.
Other names: short protein forms T352I.
Identifiers: ClinVar variation 2027047 (VCV002027047.4), dbSNP rs1554648060, ClinGen allele CA372895253.
Genomic context (GRCh38, chr9:6,604,591, plus strand): 5'-GAAGAAATCAGGGAAATCATAATCACAATAAAAGTAGAGAAACATGAGCCCCTTTACCTT[G>A]TTACCCCCACCATTCTTCCAGGCATCATTCTCACCAAGCTTTCTCGGACAGCAAAAAATG-3'
Protein context (NP_000161.2, residues 342-362): RMMPGRMVGV[Thr352Ile]RDATGKEVYR